The following is an entry in ClinVar:

NM_001844.5(COL2A1):c.2750C>G (p.Pro917Arg)

Gene: COL2A1 (collagen type II alpha 1 chain; minus strand). Cytogenetic location: 12q13.11.
Variant type: single nucleotide variant.
Coding change: c.2750C>G on transcript NM_001844.5 (MANE Select); coding-DNA position 2750, C replaced by G.
Protein change: p.Pro917Arg; replaces proline 917 with arginine.
Molecular consequence: missense variant.
Genome position (GRCh38, 1-based): chr12:47,978,742, G>C on the plus strand (C>G on the coding strand, the complement: COL2A1 is on the minus strand). VCF-style: chr12-47978742-G-C. GRCh37 (hg19) VCF-style: chr12-48372525-G-C.
Other names: c.2543C>G, p.Pro848Arg (NM_033150.3); short protein forms P848R, P917R.
Identifiers: ClinVar variation 3653697 (VCV003653697.2).

ClinVar aggregate classification (germline): Uncertain significance (1 of 4 stars; one submission).

Submission:

Labcorp Genetics (formerly Invitae), Labcorp
Classification: Uncertain significance. Last evaluated: 2024-06-17. Review status: criteria provided, single submitter. Criteria: Invitae Variant Classification Sherloc (09022015). Collection method: clinical testing. Allele origin: germline.
Comment: This sequence change replaces proline, which is neutral and non-polar, with arginine, which is basic and polar, at codon 917 of the COL2A1 protein (p.Pro917Arg). This variant is not present in population databases (gnomAD no frequency). This variant has not been reported in the literature in individuals affected with COL2A1-related conditions. Advanced modeling of protein sequence and biophysical properties (such as structural, functional, and spatial information, amino acid conservation, physicochemical variation, residue mobility, and thermodynamic stability) performed at Invitae indicates that this missense variant is not expected to disrupt COL2A1 protein function with a negative predictive value of 80%. In summary, the available evidence is currently insufficient to determine the role of this variant in disease. Therefore, it has been classified as a Variant of Uncertain Significance.